The following is an entry in ClinVar:

ClinVar aggregate classification (germline): Uncertain significance (1 of 4 stars; one submission).

Conditions:
Hereditary cancer-predisposing syndrome. Also called: Neoplastic Syndromes, Hereditary; Tumor predisposition; Hereditary neoplastic syndrome; Hereditary Cancer Syndrome. Identifiers: Orphanet 140162, MedGen C0027672, MeSH D009386, MONDO:0015356.

gnomAD v4.1: 2 of 1,613,746 alleles (0.00012%); highest among the groups gnomAD compares: Non-Finnish European, 0.00017%; no homozygotes.

Submission:

Ambry Genetics
Classification: Uncertain significance for Hereditary cancer-predisposing syndrome. Last evaluated: 2024-04-06. Review status: criteria provided, single submitter. Criteria: Ambry Variant Classification Scheme 2023. Collection method: clinical testing. Allele origin: germline.
Comment: The p.H6Y variant (also known as c.16C>T), located in coding exon 1 of the XRCC2 gene, results from a C to T substitution at nucleotide position 16. The histidine at codon 6 is replaced by tyrosine, an amino acid with similar properties. This amino acid position is conserved. In addition, this alteration is predicted to be tolerated by in silico analysis. Based on the available evidence, the clinical significance of this variant remains unclear.

NM_005431.2(XRCC2):c.16C>T (p.His6Tyr)

Gene: XRCC2 (X-ray repair cross complementing 2; minus strand). Cytogenetic location: 7q36.1.
Variant type: single nucleotide variant.
Coding change: c.16C>T on transcript NM_005431.2 (MANE Select); coding-DNA position 16, C replaced by T.
Protein change: p.His6Tyr; replaces histidine 6 with tyrosine.
Molecular consequence: missense variant.
Genome position (GRCh38, 1-based): chr7:152,676,064, G>A on the plus strand (C>T on the coding strand, the complement: XRCC2 is on the minus strand). VCF-style: chr7-152676064-G-A. GRCh37 (hg19) VCF-style: chr7-152373149-G-A.
Other names: short protein forms H6Y.
Identifiers: ClinVar variation 3333527 (VCV003333527.1).